The following is an entry in ClinVar:

NM_001276270.2(MBD4):c.908C>T (p.Thr303Ile)

Gene: MBD4 (methyl-CpG binding domain 4, DNA glycosylase; minus strand). Cytogenetic location: 3q21.3.
Variant type: single nucleotide variant.
Coding change: c.908C>T on transcript NM_001276270.2 (MANE Select); coding-DNA position 908, C replaced by T.
Protein change: p.Thr303Ile; replaces threonine 303 with isoleucine.
Molecular consequence: missense variant. On other transcripts: intron variant (1).
Genome position (GRCh38, 1-based): chr3:129,436,736, G>A on the plus strand (C>T on the coding strand, the complement: MBD4 is on the minus strand). VCF-style: chr3-129436736-G-A. GRCh37 (hg19) VCF-style: chr3-129155579-G-A.
Other names: c.908C>T, p.Thr303Ile (NM_001276271.2, NM_001276272.2, NM_003925.3); c.247+1072C>T (NM_001276273.2); short protein forms T303I.
Identifiers: ClinVar variation 4104624 (VCV004104624.1).
Genomic context (GRCh38, chr3:129,436,736, plus strand): 5'-AAATTTGATCCTGAACTCAATGATCTTTCTTTTTTTTTTACAAGGCTGTTTTCTTCACTG[G>A]TCACACTGAGGGTCTCACCACATGCTCCAGCATCAGAAATGCAGACAGTTCTATCAAGCT-3'
Protein context (NP_001263199.1, residues 293-313): AGACGETLSV[Thr303Ile]SEENSLVKKK

ClinVar aggregate classification (germline): Uncertain significance (1 of 4 stars; one submission).

Conditions:
Inborn genetic diseases. Identifiers: MedGen C0950123, MeSH D030342.

Submission:

Ambry Genetics
Classification: Uncertain significance for Inborn genetic diseases. Last evaluated: 2025-07-25. Review status: criteria provided, single submitter. Criteria: Ambry Variant Classification Scheme 2023. Collection method: clinical testing. Allele origin: germline.
Comment: The p.T303I variant (also known as c.908C>T), located in coding exon 3 of the MBD4 gene, results from a C to T substitution at nucleotide position 908. The threonine at codon 303 is replaced by isoleucine, an amino acid with similar properties. This amino acid position is conserved. In addition, this alteration is predicted to be tolerated by in silico analysis. Based on the available evidence, the clinical significance of this variant remains unclear.